The following is an entry in ClinVar:

NM_006005.3(WFS1):c.2344C>A (p.Pro782Thr)

Gene: WFS1 (wolframin ER transmembrane glycoprotein; plus strand). Cytogenetic location: 4p16.1.
Variant type: single nucleotide variant.
Coding change: c.2344C>A on transcript NM_006005.3 (MANE Select); coding-DNA position 2344, C replaced by A.
Protein change: p.Pro782Thr; replaces proline 782 with threonine.
Molecular consequence: missense variant.
Genome position (GRCh38, 1-based): chr4:6,302,139, C>A. VCF-style: chr4-6302139-C-A. GRCh37 (hg19) VCF-style: chr4-6303866-C-A.
Other names: c.2344C>A, p.Pro782Thr (NM_001145853.1); short protein forms P782T.
Identifiers: ClinVar variation 3366172 (VCV003366172.2).

ClinVar aggregate classification (germline): Uncertain significance. Review status: criteria provided, multiple submitters, no conflicts (2 of 4 stars). 2 submissions from 2 submitters: Uncertain significance (2). Last evaluated 2024-07-02.

Submissions (2):

Blueprint Genetics
Classification: Uncertain significance. Last evaluated: 2024-07-02. Review status: criteria provided, single submitter. Criteria: ACMG Guidelines, 2015. Collection method: clinical testing. Allele origin: germline.

GeneDx
Classification: Uncertain significance. Last evaluated: 2023-10-19. Review status: criteria provided, single submitter. Criteria: GeneDx Variant Classification Process June 2021. Collection method: clinical testing. Allele origin: germline. Affected: yes.
Comment: Not observed at significant frequency in large population cohorts (gnomAD); In silico analysis supports that this missense variant has a deleterious effect on protein structure/function; Has not been previously published as pathogenic or benign to our knowledge